The following is an entry in ClinVar:

ClinVar aggregate classification (germline): Benign. Review status: criteria provided, multiple submitters, no conflicts (2 of 4 stars). 9 submissions from 9 submitters: Benign (7). 2 of the submissions do not count toward it. Last evaluated 2026-02-04.

Conditions:
Hypophosphatemic rickets, autosomal recessive, 1 (ARHR1). Also called: HYPOPHOSPHATEMIA, AUTOSOMAL RECESSIVE. Identifiers: Orphanet 289176, MedGen C4551495, MONDO:0009430, OMIM 241520. Disease mechanism: loss of function.

Allele frequency attached by ClinVar (database versions not stated): TOPMed 0.27763; gnomAD 0.28028 and 0.28078; ESP Exome Variant Server 0.28310; 1000 Genomes Project 0.32129; 1000 Genomes Project 30x 0.32448.
gnomAD v4.1: 394,612 of 1,613,756 alleles (24%); highest among the groups gnomAD compares: African/African-American, 40%; 50,444 homozygotes.

Submissions (9):

Labcorp Genetics (formerly Invitae), Labcorp
Classification: Benign. Last evaluated: 2026-02-04. Review status: criteria provided, single submitter. Criteria: Invitae Variant Classification Sherloc (09022015). Collection method: clinical testing. Allele origin: germline.

Blueprint Genetics
Classification: Benign. Last evaluated: 2024-11-26. Review status: criteria provided, single submitter. Criteria: ACMG Guidelines, 2015. Collection method: clinical testing. Allele origin: germline.

Mayo Clinic Laboratories, Mayo Clinic
Classification: Benign. Last evaluated: 2022-03-09. Review status: criteria provided, single submitter. Criteria: ACMG Guidelines, 2015. Collection method: clinical testing. Allele origin: germline. Observed: 77 variant alleles.

Genome-Nilou Lab
Classification: Benign for Hypophosphatemic rickets, autosomal recessive, 1. Last evaluated: 2021-07-30. Review status: criteria provided, single submitter. Criteria: ACMG Guidelines, 2015. Collection method: clinical testing. Allele origin: germline. Affected: no.

Illumina Laboratory Services, Illumina
Classification: Benign for Hypophosphatemic rickets, autosomal recessive, 1. Last evaluated: 2018-01-13. Review status: criteria provided, single submitter. Criteria: ICSL Variant Classification Criteria 13 December 2019. Collection method: clinical testing. Allele origin: germline.
Comment: This variant was observed in the ICSL laboratory as part of a predisposition screen in an ostensibly healthy population. It had not been previously curated by ICSL or reported in the Human Gene Mutation Database (HGMD: prior to June 1st, 2018), and was therefore a candidate for classification through an automated scoring system. Utilizing variant allele frequency, disease prevalence and penetrance estimates, and inheritance mode, an automated score was calculated to assess if this variant is too frequent to cause the disease. Based on the score and internal cut-off values, a variant classified as benign is not then subjected to further curation. The score for this variant resulted in a classification of benign for this disease.

GeneDx
Classification: Benign. Last evaluated: 2015-03-03. Review status: criteria provided, single submitter. Criteria: GeneDx Variant Classification Process June 2021. Collection method: clinical testing. Allele origin: germline. Affected: yes.

Breakthrough Genomics
Classification: Benign. Review status: criteria provided, single submitter. Criteria: ACMG Guidelines, 2015. Collection method: not provided. Allele origin: germline. Inheritance: Autosomal recessive inheritance. Affected: yes.

Diagnostic Laboratory, Department of Genetics, University Medical Center Groningen
Classification: Benign. Review status: no assertion criteria provided. Collection method: clinical testing. Allele origin: germline. Affected: yes. Study: VKGL Data-share Consensus. Not counted in ClinVar's aggregate classification.

Joint Genome Diagnostic Labs from Nijmegen and Maastricht, Radboudumc and MUMC+
Classification: Benign. Review status: no assertion criteria provided. Collection method: clinical testing. Allele origin: germline. Affected: yes. Study: VKGL Data-share Consensus. Not counted in ClinVar's aggregate classification.

NM_004407.4(DMP1):c.1230G>A (p.Glu410=)

Genes: DMP1-AS1 (DMP1 and DSPP antisense RNA 1; minus strand), DMP1 (dentin matrix acidic phosphoprotein 1; plus strand). Cytogenetic location: 4q22.1.
Variant type: single nucleotide variant.
Coding change: c.1230G>A on transcript NM_004407.4 (MANE Select); coding-DNA position 1230, G replaced by A.
Protein change: p.Glu410=; no amino-acid change (glutamic acid 410 retained).
Molecular consequence: synonymous variant.
Genome position (GRCh38, 1-based): chr4:87,663,008, G>A. VCF-style: chr4-87663008-G-A. GRCh37 (hg19) VCF-style: chr4-88584160-G-A.
Other names: p.Glu410=; c.1182G>A, p.Glu394= (NM_001079911.3).
Identifiers: ClinVar variation 349983 (VCV000349983.26), dbSNP rs2615497, ClinGen allele CA3002166.
Genomic context (GRCh38, chr4:87,663,008, plus strand): 5'-CACACTCTCCCACTCAAAAAGTGAATCCAGAGAGGAGCAAGCAGACAGCGAATCCAGTGA[G>A]AGCCTCAACTTCTCAGAGGAAAGCCCGGAGTCCCCTGAGGATGAGAACAGCTCCAGCCAG-3'
Protein context (NP_004398.1, residues 400-420): REEQADSESS[Glu410=]SLNFSEESPE